The following is an entry in ClinVar:

NM_000179.3(MSH6):c.3332A>T (p.Asn1111Ile)

Gene: MSH6 (mutS homolog 6; plus strand). Cytogenetic location: 2p16.3.
Variant type: single nucleotide variant.
Coding change: c.3332A>T on transcript NM_000179.3 (MANE Select); coding-DNA position 3332, A replaced by T.
Protein change: p.Asn1111Ile; replaces asparagine 1111 with isoleucine.
Molecular consequence: missense variant. On other transcripts: non-coding transcript variant (5), intron variant (1).
Genome position (GRCh38, 1-based): chr2:47,803,579, A>T. VCF-style: chr2-47803579-A-T. GRCh37 (hg19) VCF-style: chr2-48030718-A-T.
Other names: c.2942A>T, p.Asn981Ile (NM_001281492.2); c.2426A>T, p.Asn809Ile (NM_001281493.2, NM_001281494.2, NM_001406823.1 and 6 more transcripts); c.3428A>T, p.Asn1143Ile (NM_001406795.1, NM_001406802.1); c.3332A>T, p.Asn1111Ile (NM_001406796.1, NM_001406808.1, NM_001406809.1 and 1 more transcripts); c.3035A>T, p.Asn1012Ile (NM_001406797.1, NM_001406818.1, NM_001406819.1 and 10 more transcripts); c.2807A>T, p.Asn936Ile (NM_001406799.1, NM_001406806.1, NM_001406807.1); c.1766A>T, p.Asn589Ile (NM_001406817.1); c.3164A>T, p.Asn1055Ile (NM_001406826.1); and 7 more; short protein forms N1012I, N1055I, N589I, N60I, N809I, N823I, N1143I, N1085I.
Identifiers: ClinVar variation 4111216 (VCV004111216.1).

ClinVar aggregate classification (germline): Uncertain significance (1 of 4 stars; one submission).

Conditions:
Hereditary cancer-predisposing syndrome. Also called: Tumor predisposition; Neoplastic Syndromes, Hereditary; Hereditary neoplastic syndrome; Hereditary Cancer Syndrome. Identifiers: Orphanet 140162, MedGen C0027672, MeSH D009386, MONDO:0015356.

Submission:

Ambry Genetics
Classification: Uncertain significance for Hereditary cancer-predisposing syndrome. Last evaluated: 2025-08-01. Review status: criteria provided, single submitter. Criteria: Ambry Variant Classification Scheme 2023. Collection method: clinical testing. Allele origin: germline.
Comment: The p.N1111I variant (also known as c.3332A>T), located in coding exon 5 of the MSH6 gene, results from an A to T substitution at nucleotide position 3332. The asparagine at codon 1111 is replaced by isoleucine, an amino acid with dissimilar properties. This amino acid position is conserved. In addition, this alteration is predicted to be deleterious by in silico analysis. Based on the available evidence, the clinical significance of this variant remains unclear.